The following is an entry in ClinVar:

ClinVar aggregate classification (germline): Uncertain significance (1 of 4 stars; one submission).

Conditions:
EDNRB-related disorder. Also called: EDNRB-related condition; EDNRB-related disorders.

Submission:

PreventionGenetics, part of Exact Sciences
Classification: Uncertain significance for EDNRB-related condition. Last evaluated: 2026-01-09. Review status: criteria provided, single submitter. Criteria: ACMG Guidelines, 2015. Collection method: clinical testing. Allele origin: germline.
Comment: The EDNRB c.56T>A variant is predicted to result in the amino acid substitution p.Leu19Gln. To our knowledge, this variant has not been reported in the literature. This variant is reported in 0.0041% of alleles in individuals of European (Non-Finnish) descent in gnomAD. At this time, the clinical significance of this variant is uncertain due to the absence of conclusive functional and genetic evidence.

NM_001201397.2(EDNRB):c.56T>A (p.Leu19Gln)

Genes: EDNRB (endothelin receptor type B; minus strand), LOC107882129 (EDNRB proximal promoter region; plus strand). Cytogenetic location: 13q22.3.
Variant type: single nucleotide variant.
Coding change: c.56T>A on transcript NM_001201397.2; coding-DNA position 56, T replaced by A.
Protein change: p.Leu19Gln; replaces leucine 19 with glutamine.
Molecular consequence: missense variant. On other transcripts: intron variant (1).
Genome position (GRCh38, 1-based): chr13:77,919,560, A>T on the plus strand (T>A on the coding strand, the complement: EDNRB is on the minus strand). VCF-style: chr13-77919560-A-T. GRCh37 (hg19) VCF-style: chr13-78493695-A-T.
Other names: c.-51-936T>A (NM_000115.5); short protein forms L19Q.
Identifiers: ClinVar variation 4977972 (VCV004977972.1).